The following is an entry in ClinVar:

ClinVar aggregate classification (germline): Uncertain significance (1 of 4 stars; one submission).

Conditions:
Arterial tortuosity syndrome (ATORS). Identifiers: Orphanet 3342, MedGen C1859726, MONDO:0008818, OMIM 208050.

Allele frequency attached by ClinVar (database versions not stated): gnomAD exomes 0.00001 and 0.00002; ExAC 0.00003.
gnomAD v4.1: 7 of 1,614,134 alleles (0.00043%); highest among the groups gnomAD compares: East Asian, 0.011%; no homozygotes.

Submission:

Labcorp Genetics (formerly Invitae), Labcorp
Classification: Uncertain significance for Arterial tortuosity syndrome. Last evaluated: 2022-08-22. Review status: criteria provided, single submitter. Criteria: Invitae Variant Classification Sherloc (09022015). Collection method: clinical testing. Allele origin: germline.
Comment: This sequence change replaces glycine, which is neutral and non-polar, with aspartic acid, which is acidic and polar, at codon 529 of the SLC2A10 protein (p.Gly529Asp). This variant is present in population databases (rs750292263, gnomAD 0.02%). This variant has not been reported in the literature in individuals affected with SLC2A10-related conditions. ClinVar contains an entry for this variant (Variation ID: 643699). Advanced modeling of protein sequence and biophysical properties (such as structural, functional, and spatial information, amino acid conservation, physicochemical variation, residue mobility, and thermodynamic stability) performed at Invitae indicates that this missense variant is not expected to disrupt SLC2A10 protein function. In summary, the available evidence is currently insufficient to determine the role of this variant in disease. Therefore, it has been classified as a Variant of Uncertain Significance.

NM_030777.4(SLC2A10):c.1586G>A (p.Gly529Asp)

Gene: SLC2A10 (solute carrier family 2 member 10; plus strand). Cytogenetic location: 20q13.12.
Variant type: single nucleotide variant.
Coding change: c.1586G>A on transcript NM_030777.4 (MANE Select); coding-DNA position 1586, G replaced by A.
Protein change: p.Gly529Asp; replaces glycine 529 with aspartic acid.
Molecular consequence: missense variant.
Genome position (GRCh38, 1-based): chr20:46,733,794, G>A. VCF-style: chr20-46733794-G-A. GRCh37 (hg19) VCF-style: chr20-45362433-G-A.
Other names: short protein forms G529D.
Identifiers: ClinVar variation 643699 (VCV000643699.8), dbSNP rs750292263, ClinGen allele CA9892272.